The following is an entry in ClinVar:

ClinVar aggregate classification (germline): Uncertain significance (1 of 4 stars; one submission).

Conditions:
Emery-Dreifuss muscular dystrophy 4, autosomal dominant (EDMD4). Also called: EMERY-DREIFUSS MUSCULAR DYSTROPHY 4 WITH VARIABLE FEATURES. Identifiers: Orphanet 261, MedGen C2751807, MONDO:0013071, OMIM 612998.
Autosomal recessive ataxia, Beauce type. Also called: SYNE1-Related Autosomal Recessive Cerebellar Ataxia; Spinocerebellar ataxia, autosomal recessive 8; ATAXIA, RECESSIVE, OF BEAUCE; SYNE1 Deficiency. Identifiers: Orphanet 88644, MedGen C1853116, MONDO:0012549, OMIM 610743.

Allele frequency attached by ClinVar (database versions not stated): ESP Exome Variant Server 0.00015; gnomAD exomes 0.00002; ExAC 0.00004; gnomAD 0.00004; TOPMed 0.00004.
gnomAD v4.1: 40 of 1,614,028 alleles (0.0025%); highest among the groups gnomAD compares: South Asian, 0.0077%; no homozygotes.

Submission:

Labcorp Genetics (formerly Invitae), Labcorp
Classification: Uncertain significance for Emery-Dreifuss muscular dystrophy 4, autosomal dominant; Autosomal recessive ataxia, Beauce type. Last evaluated: 2025-04-17. Review status: criteria provided, single submitter. Criteria: Invitae Variant Classification Sherloc (09022015). Collection method: clinical testing. Allele origin: germline.
Comment: This sequence change replaces proline, which is neutral and non-polar, with leucine, which is neutral and non-polar, at codon 5856 of the SYNE1 protein (p.Pro5856Leu). This variant is present in population databases (rs145085256, gnomAD 0.01%). This variant has not been reported in the literature in individuals affected with SYNE1-related conditions. ClinVar contains an entry for this variant (Variation ID: 1376655). An algorithm developed to predict the effect of missense changes on protein structure and function (PolyPhen-2) suggests that this variant is likely to be tolerated. In summary, the available evidence is currently insufficient to determine the role of this variant in disease. Therefore, it has been classified as a Variant of Uncertain Significance.

NM_182961.4(SYNE1):c.17780C>T (p.Pro5927Leu)

Gene: SYNE1 (spectrin repeat containing nuclear envelope protein 1; minus strand). Cytogenetic location: 6q25.2.
Variant type: single nucleotide variant.
Coding change: c.17780C>T on transcript NM_182961.4 (MANE Select); coding-DNA position 17780, C replaced by T.
Protein change: p.Pro5927Leu; replaces proline 5927 with leucine.
Molecular consequence: missense variant.
Genome position (GRCh38, 1-based): chr6:152,294,030, G>A on the plus strand (C>T on the coding strand, the complement: SYNE1 is on the minus strand). VCF-style: chr6-152294030-G-A. GRCh37 (hg19) VCF-style: chr6-152615165-G-A.
Other names: c.17567C>T, p.Pro5856Leu (NM_033071.5); short protein forms P5856L, P5927L.
Identifiers: ClinVar variation 1376655 (VCV001376655.6), dbSNP rs145085256, ClinGen allele CA4055130.
Genomic context (GRCh38, chr6:152,294,030, plus strand): 5'-AAGGTTTCCCAAGAACGCTGCAAATCACCCAGTTTGGCAGTAGCGGATGGCTCCAATCCC[G>A]GTTCATAGAACTCCTGGGATGCGGATGTGCTGGGGTGAATTTTTGCAGCATCTGTCTGCA-3'
Protein context (NP_892006.3, residues 5917-5937): STSASQEFYE[Pro5927Leu]GLEPSATAKL